The following is an entry in ClinVar:

ClinVar aggregate classification (germline): Uncertain significance. Review status: criteria provided, single submitter (1 of 4 stars). 2 submissions from 2 submitters: Uncertain significance (1). 1 of the submissions does not count toward it. Last evaluated 2026-03-13.

Conditions:
Sudden unexplained death. Identifiers: MedGen C0520806.

Allele frequency attached by ClinVar (database versions not stated): gnomAD exomes below 0.00001.
gnomAD v4.1: 1 of 1,554,646 alleles (0.000064%); highest among the groups gnomAD compares: Non-Finnish European, 0.000087%; no homozygotes.

Submissions (2):

GeneDx
Classification: Uncertain significance. Last evaluated: 2026-03-13. Review status: criteria provided, single submitter. Criteria: GeneDx Variant Classification Process June 2021. Collection method: clinical testing. Allele origin: germline.
Comment: Not observed at significant frequency in large population cohorts (gnomAD); In silico analysis supports that this missense variant has a deleterious effect on protein structure/function; Has not been previously published as pathogenic or benign to our knowledge

Agnes Ginges Centre for Molecular Cardiology, Centenary Institute
Classification: Uncertain significance for Sudden unexplained death. Last evaluated: 2020-02-24. Review status: no assertion criteria provided. Collection method: research. Allele origin: germline. Inheritance: Autosomal dominant inheritance. Affected: yes. Not counted in ClinVar's aggregate classification.
Comment: This variant has been identified as part of our research program. For further information please feel free to contact us.

NM_000256.3(MYBPC3):c.2341A>G (p.Ser781Gly)

Gene: MYBPC3 (myosin binding protein C3; minus strand). Cytogenetic location: 11p11.2.
Variant type: single nucleotide variant.
Coding change: c.2341A>G on transcript NM_000256.3 (MANE Select); coding-DNA position 2341, A replaced by G.
Protein change: p.Ser781Gly; replaces serine 781 with glycine.
Molecular consequence: missense variant.
Genome position (GRCh38, 1-based): chr11:47,337,762, T>C on the plus strand (A>G on the coding strand, the complement: MYBPC3 is on the minus strand). VCF-style: chr11-47337762-T-C. GRCh37 (hg19) VCF-style: chr11-47359313-T-C.
Other names: short protein forms S781G.
Identifiers: ClinVar variation 977177 (VCV000977177.2), dbSNP rs2095884011, ClinGen allele CA380318988.